The following is an entry in ClinVar:

ClinVar aggregate classification (germline): Likely pathogenic (1 of 4 stars; one submission).

Conditions:
Spermatogenic failure 46. Identifiers: MedGen C5436799, MONDO:0033673, OMIM 619095.

Submission:

First Genomix Gene Laboratory, Genetic Diagnostics Department
Classification: Likely pathogenic for Spermatogenic failure 46. Last evaluated: 2025-01-14. Review status: criteria provided, single submitter. Criteria: ACMG Guidelines, 2015. Collection method: clinical testing. Allele origin: germline. Inheritance: Autosomal recessive inheritance. Affected: no. Observed: 1 variant allele.

NM_001206927.2(DNAH8):c.418C>T (p.Arg140Ter)

Genes: DNAH8 (dynein axonemal heavy chain 8; plus strand), LOC126859667 (BRD4-independent group 4 enhancer GRCh37_chr6:38690326-38691525; plus strand). Cytogenetic location: 6p21.2.
Variant type: single nucleotide variant.
Coding change: c.418C>T on transcript NM_001206927.2 (MANE Select); coding-DNA position 418, C replaced by T.
Protein change: p.Arg140Ter; replaces arginine 140 with a stop codon.
Molecular consequence: nonsense. On other transcripts: 5 prime UTR variant (1).
Genome position (GRCh38, 1-based): chr6:38,723,364, C>T. VCF-style: chr6-38723364-C-T. GRCh37 (hg19) VCF-style: chr6-38691140-C-T.
Other names: c.-149C>T (NM_001371.4); short protein forms R140*.
Identifiers: ClinVar variation 4845681 (VCV004845681.1).